The following is an entry in ClinVar:

NM_002381.5(MATN3):c.641G>T (p.Gly214Val)

Gene: MATN3 (matrilin 3; minus strand). Cytogenetic location: 2p24.1.
Variant type: single nucleotide variant.
Coding change: c.641G>T on transcript NM_002381.5 (MANE Select); coding-DNA position 641, G replaced by T.
Protein change: p.Gly214Val; replaces glycine 214 with valine.
Molecular consequence: missense variant.
Genome position (GRCh38, 1-based): chr2:20,005,893, C>A on the plus strand (G>T on the coding strand, the complement: MATN3 is on the minus strand). VCF-style: chr2-20005893-C-A. GRCh37 (hg19) VCF-style: chr2-20205654-C-A.
Other names: short protein forms G214V.
Identifiers: ClinVar variation 2772820 (VCV002772820.3), dbSNP rs373064792, ClinGen allele CA345950676.

ClinVar aggregate classification (germline): Uncertain significance (1 of 4 stars; one submission).

Submission:

Labcorp Genetics (formerly Invitae), Labcorp
Classification: Uncertain significance. Last evaluated: 2023-10-29. Review status: criteria provided, single submitter. Criteria: Invitae Variant Classification Sherloc (09022015). Collection method: clinical testing. Allele origin: germline.
Comment: This sequence change replaces glycine, which is neutral and non-polar, with valine, which is neutral and non-polar, at codon 214 of the MATN3 protein (p.Gly214Val). This variant is not present in population databases (gnomAD no frequency). This variant has not been reported in the literature in individuals affected with MATN3-related conditions. Advanced modeling of protein sequence and biophysical properties (such as structural, functional, and spatial information, amino acid conservation, physicochemical variation, residue mobility, and thermodynamic stability) performed at Invitae indicates that this missense variant is expected to disrupt MATN3 protein function with a positive predictive value of 80%. In summary, the available evidence is currently insufficient to determine the role of this variant in disease. Therefore, it has been classified as a Variant of Uncertain Significance.